The following is an entry in ClinVar:

NM_021930.6(RINT1):c.839+5C>T

Gene: RINT1 (RAD50 interactor 1; plus strand). Cytogenetic location: 7q22.3.
Variant type: single nucleotide variant.
Coding change: c.839+5C>T on transcript NM_021930.6 (MANE Select); 5 bases into the intron after coding-DNA position 839, C replaced by T.
Molecular consequence: intron variant.
Genome position (GRCh38, 1-based): chr7:105,547,338, C>T. VCF-style: chr7-105547338-C-T. GRCh37 (hg19) VCF-style: chr7-105187785-C-T.
Other names: c.-181+5C>T (NM_001346600.2); c.-84+5C>T (NM_001346601.2); c.-27-2717C>T (NM_001346603.2); c.605+5C>T (NM_001346599.2).
Identifiers: ClinVar variation 1052074 (VCV001052074.9), dbSNP rs1026023752, ClinGen allele CA164055559.
Genomic context (GRCh38, chr7:105,547,338, plus strand): 5'-GAGATATACAGTTACCTGGAGACACTGTTTTGTCAGCTTTTGAAACTACAAACCTCGTAT[C>T]TTTGTTGCAGCTGAAAACTTACTAAAATTTCTTTTTTCTAGAATGGGTTTGTGGCTAGAG-3'

ClinVar aggregate classification (germline): Uncertain significance (1 of 4 stars; one submission).

gnomAD v4.1: 1 of 1,613,222 alleles (0.000062%); highest among the groups gnomAD compares: African/African-American, 0.0013%; no homozygotes.

Submission:

Labcorp Genetics (formerly Invitae), Labcorp
Classification: Uncertain significance. Last evaluated: 2020-09-24. Review status: criteria provided, single submitter. Criteria: Invitae Variant Classification Sherloc (09022015). Collection method: clinical testing. Allele origin: germline.
Comment: In summary, the available evidence is currently insufficient to determine the role of this variant in disease. Therefore, it has been classified as a Variant of Uncertain Significance. Nucleotide substitutions within the consensus splice site are a relatively common cause of aberrant splicing (PMID: 17576681, 9536098). Algorithms developed to predict the effect of sequence changes on RNA splicing suggest that this variant is not likely to affect RNA splicing, but this prediction has not been confirmed by published transcriptional studies. This variant has not been reported in the literature in individuals with RINT1-related disease. This variant is not present in population databases (ExAC no frequency). This sequence change falls in intron 6 of the RINT1 gene. It does not directly change the encoded amino acid sequence of the RINT1 protein, but it affects a nucleotide within the consensus splice site of the intron.

Literature cited by the submitters: PubMed 17576681; PubMed 9536098.